The following is an entry in ClinVar:

ClinVar aggregate classification (germline): Pathogenic/Likely pathogenic. Review status: criteria provided, multiple submitters, no conflicts (2 of 4 stars). 5 submissions from 5 submitters: Pathogenic (3); Likely pathogenic (1). 1 of the submissions does not count toward it. Last evaluated 2025-11-12.

Conditions:
Hemochromatosis type 2A (HFE2A). Also called: HJV (HFE2)-Related Juvenile Hemochromatosis; Adult-Onset Hemochromatosis. Identifiers: Orphanet 79230, MedGen C1865614, MONDO:0011216, OMIM 602390.

Allele frequency attached by ClinVar (database versions not stated): gnomAD exomes 0.00001 and 0.00004; gnomAD 0.00001; ExAC 0.00002; TOPMed 0.00001.
gnomAD v4.1: 66 of 1,613,990 alleles (0.0041%); highest among the groups gnomAD compares: Non-Finnish European, 0.0053%; no homozygotes.

Submissions (5):

Labcorp Genetics (formerly Invitae), Labcorp
Classification: Pathogenic. Last evaluated: 2025-11-12. Review status: criteria provided, single submitter. Criteria: Invitae Variant Classification Sherloc (09022015). Collection method: clinical testing. Allele origin: germline.
Comment: This sequence change creates a premature translational stop signal (p.Arg326*) in the HJV gene. While this is not anticipated to result in nonsense mediated decay, it is expected to disrupt the last 101 amino acid(s) of the HJV protein. This variant is present in population databases (rs74315324, gnomAD 0.003%). This premature translational stop signal has been observed in individual(s) with juvenile hemochromatosis (PMID: 14647275). ClinVar contains an entry for this variant (Variation ID: 2366). This variant disrupts a region of the HJV protein in which other variant(s) (p.Gly336*) have been determined to be pathogenic (PMID: 30195625; internal data). This suggests that this is a clinically significant region of the protein, and that variants that disrupt it are likely to be disease-causing. For these reasons, this variant has been classified as Pathogenic.

Natera, Inc.
Classification: Pathogenic for Hemochromatosis type 2A. Last evaluated: 2025-02-26. Review status: criteria provided, single submitter. Criteria: Natera Variant Classification Schema (03/2026). Collection method: clinical testing. Allele origin: germline.
Comment: The c.976C>T variant in HJV is a nonsense variant predicted to introduce a stop codon at amino acid 326. This variant is expected to result in nonsense mediated decay, truncation, or a dysfunctional protein product. This variant is rare in the general population with a frequency below the threshold expected for the associated phenotype(s). This variant has been observed in one or more individuals affected with the associated recessive disease, as either homozygous or compound heterozygous with a second variant (PMID: 14647275, 26151776). Given the available evidence, this variant is classified as Pathogenic.

Women's Health and Genetics/Laboratory Corporation of America, LabCorp
Classification: Pathogenic for Hemochromatosis type 2A. Last evaluated: 2024-01-12. Review status: criteria provided, single submitter. Criteria: LabCorp Variant Classification Summary - May 2015. Collection method: clinical testing. Allele origin: germline.
Comment: Variant summary: HJV c.976C>T (p.Arg326X) results in a premature termination codon located in the last exon, therefore not expected to cause nonsense mediated decay (NMD), but is predicted to cause a truncation of the encoded protein, removing a large part of the 426 amino acid long protein (InterPro). Truncations downstream of this position have been reported in affected individuals (HGMD). The variant allele was found at a frequency of 1.2e-05 in 251340 control chromosomes (gnomAD). c.976C>T has been reported in the literature in compound heterozygous individuals affected with Hemochromatosis Type 2A (Papanikolaou_2003, Wallace_2004). These data indicate that the variant is likely associated with disease. To our knowledge, no experimental evidence demonstrating an impact on protein function has been reported. Three clinical diagnostic laboratories have submitted clinical-significance assessments for this variant to ClinVar after 2014 without evidence for independent evaluation. Based on the evidence outlined above, the variant was classified as pathogenic.

Department of Pathology and Laboratory Medicine, Sinai Health System
Classification: Likely pathogenic for Hemochromatosis type 2A. Last evaluated: 2023-04-03. Review status: criteria provided, single submitter. Criteria: ACMG Guidelines, 2015. Collection method: research. Allele origin: germline.

OMIM
Classification: Pathogenic for HEMOCHROMATOSIS, TYPE 2A. Last evaluated: 2004-01-01. Review status: no assertion criteria provided. Collection method: literature only. Allele origin: germline. Not counted in ClinVar's aggregate classification.

Literature cited by the submitters: PubMed 14647275 (cited by 4 submitters); PubMed 30195625 (cited by Labcorp Genetics (formerly Invitae), Labcorp); PubMed 26151776 (cited by Natera, Inc. and Women's Health and Genetics/Laboratory Corporation of America, LabCorp); PubMed 15710580 (cited by Women's Health and Genetics/Laboratory Corporation of America, LabCorp); PubMed 15194541 (cited by Women's Health and Genetics/Laboratory Corporation of America, LabCorp); PubMed 32824233 (cited by Women's Health and Genetics/Laboratory Corporation of America, LabCorp).

NM_213653.4(HJV):c.976C>T (p.Arg326Ter)

Gene: HJV (hemojuvelin BMP co-receptor; minus strand). Cytogenetic location: 1q21.1.
Variant type: single nucleotide variant.
Coding change: c.976C>T on transcript NM_213653.4 (MANE Select); coding-DNA position 976, C replaced by T.
Protein change: p.Arg326Ter; replaces arginine 326 with a stop codon.
Molecular consequence: nonsense.
Genome position (GRCh38, 1-based): chr1:146,018,382, G>A on the plus strand (C>T on the coding strand, the complement: HJV is on the minus strand). VCF-style: chr1-146018382-G-A. GRCh37 (hg19) VCF-style: chr1-145416631-C-T.
Other names: c.298C>T, p.Arg100Ter (NM_001316767.2, NM_202004.4, NM_213652.4); c.976C>T, p.Arg326Ter (NM_001379352.1); c.637C>T, p.Arg213Ter (NM_145277.5); short protein forms R326*, R213*, R100*.
Identifiers: ClinVar variation 2366 (VCV000002366.21), dbSNP rs74315324, ClinGen allele CA252250.